The following is an entry in ClinVar:

ClinVar aggregate classification (germline): Uncertain significance (1 of 4 stars; one submission).

Conditions:
Neurofibromatosis, type 1 (NF1). Also called: Peripheral type neurofibromatosis; VON RECKLINGHAUSEN DISEASE; NEUROFIBROMATOSIS, TYPE I, SOMATIC; Neurofibromatosis, type I. Identifiers: Orphanet 636, MedGen C0027831, MONDO:0018975, OMIM 162200. Disease mechanism: loss of function.

Submission:

Labcorp Genetics (formerly Invitae), Labcorp
Classification: Uncertain significance for Neurofibromatosis, type 1. Last evaluated: 2022-09-20. Review status: criteria provided, single submitter. Criteria: Invitae Variant Classification Sherloc (09022015). Collection method: clinical testing. Allele origin: germline.
Comment: In summary, the available evidence is currently insufficient to determine the role of this variant in disease. Therefore, it has been classified as a Variant of Uncertain Significance. Algorithms developed to predict the effect of sequence changes on RNA splicing suggest that this variant may disrupt the consensus splice site. Algorithms developed to predict the effect of missense changes on protein structure and function are either unavailable or do not agree on the potential impact of this missense change (SIFT: "Deleterious"; PolyPhen-2: "Probably Damaging"; Align-GVGD: "Class C0"). This variant has not been reported in the literature in individuals affected with NF1-related conditions. This sequence change replaces arginine, which is basic and polar, with tryptophan, which is neutral and slightly polar, at codon 1325 of the NF1 protein (p.Arg1325Trp). This variant is not present in population databases (gnomAD no frequency).

NM_001042492.3(NF1):c.3973A>T (p.Arg1325Trp)

Gene: NF1 (neurofibromin 1; plus strand). Cytogenetic location: 17q11.2.
Variant type: single nucleotide variant.
Coding change: c.3973A>T on transcript NM_001042492.3 (MANE Select); coding-DNA position 3973, A replaced by T.
Protein change: p.Arg1325Trp; replaces arginine 1325 with tryptophan.
Molecular consequence: missense variant.
Genome position (GRCh38, 1-based): chr17:31,236,020, A>T. VCF-style: chr17-31236020-A-T. GRCh37 (hg19) VCF-style: chr17-29563038-A-T.
Other names: c.3973A>T, p.Arg1325Trp (NM_000267.4); short protein forms R1325W.
Identifiers: ClinVar variation 1718960 (VCV001718960.5), dbSNP rs2151438704, ClinGen allele CA398993352.